The following is an entry in ClinVar:

ClinVar aggregate classification (germline): Uncertain significance. Review status: criteria provided, multiple submitters, no conflicts (2 of 4 stars). 2 submissions from 2 submitters: Uncertain significance (2). Last evaluated 2023-07-16.

Conditions:
Hereditary cancer-predisposing syndrome. Also called: Neoplastic Syndromes, Hereditary; Hereditary Cancer Syndrome; Hereditary neoplastic syndrome; Tumor predisposition. Identifiers: Orphanet 140162, MedGen C0027672, MeSH D009386, MONDO:0015356.
Bloom syndrome (BLM). Also called: Bloom-Torre-Machacek syndrome. Identifiers: Orphanet 125, MedGen C0005859, MONDO:0008876, OMIM 210900.

Submissions (2):

Ambry Genetics
Classification: Uncertain significance for Hereditary cancer-predisposing syndrome. Last evaluated: 2023-07-16. Review status: criteria provided, single submitter. Criteria: Ambry Variant Classification Scheme 2023. Collection method: clinical testing. Allele origin: germline.
Comment: The p.A790V variant (also known as c.2369C>T), located in coding exon 10 of the BLM gene, results from a C to T substitution at nucleotide position 2369. The alanine at codon 790 is replaced by valine, an amino acid with similar properties. This amino acid position is well conserved in available vertebrate species. In addition, the in silico prediction for this alteration is inconclusive. Since supporting evidence is limited at this time, the clinical significance of this alteration remains unclear.

Labcorp Genetics (formerly Invitae), Labcorp
Classification: Uncertain significance for Bloom syndrome. Last evaluated: 2021-11-02. Review status: criteria provided, single submitter. Criteria: Invitae Variant Classification Sherloc (09022015). Collection method: clinical testing. Allele origin: germline.
Comment: This sequence change replaces alanine, which is neutral and non-polar, with valine, which is neutral and non-polar, at codon 790 of the BLM protein (p.Ala790Val). This variant is not present in population databases (gnomAD no frequency). This variant has not been reported in the literature in individuals affected with BLM-related conditions. Algorithms developed to predict the effect of missense changes on protein structure and function are either unavailable or do not agree on the potential impact of this missense change (SIFT: "Deleterious"; PolyPhen-2: "Possibly Damaging"; Align-GVGD: "Class C0"). Algorithms developed to predict the effect of sequence changes on RNA splicing suggest that this variant may create or strengthen a splice site. In summary, the available evidence is currently insufficient to determine the role of this variant in disease. Therefore, it has been classified as a Variant of Uncertain Significance.

NM_000057.4(BLM):c.2369C>T (p.Ala790Val)

Gene: BLM (BLM RecQ like helicase; plus strand). Cytogenetic location: 15q26.1.
Variant type: single nucleotide variant.
Coding change: c.2369C>T on transcript NM_000057.4 (MANE Select); coding-DNA position 2369, C replaced by T.
Protein change: p.Ala790Val; replaces alanine 790 with valine.
Molecular consequence: missense variant.
Genome position (GRCh38, 1-based): chr15:90,769,194, C>T. VCF-style: chr15-90769194-C-T. GRCh37 (hg19) VCF-style: chr15-91312424-C-T.
Other names: c.2369C>T, p.Ala790Val (NM_001287246.2, NM_001287247.2); c.1244C>T, p.Ala415Val (NM_001287248.2); short protein forms A415V, A790V.
Identifiers: ClinVar variation 1437271 (VCV001437271.6), dbSNP rs2151165767, ClinGen allele CA393845153.